The following is an entry in ClinVar:

NM_006031.6(PCNT):c.281A>T (p.Asp94Val)

Gene: PCNT (pericentrin; plus strand). Cytogenetic location: 21q22.3.
Variant type: single nucleotide variant.
Coding change: c.281A>T on transcript NM_006031.6 (MANE Select); coding-DNA position 281, A replaced by T.
Protein change: p.Asp94Val; replaces aspartic acid 94 with valine.
Molecular consequence: missense variant. On other transcripts: 5 prime UTR variant (1).
Genome position (GRCh38, 1-based): chr21:46,334,410, A>T. VCF-style: chr21-46334410-A-T. GRCh37 (hg19) VCF-style: chr21-47754324-A-T.
Other names: c.-74A>T (NM_001315529.2); short protein forms D94V.
Identifiers: ClinVar variation 4990827 (VCV004990827.1).

ClinVar aggregate classification (germline): Uncertain significance (1 of 4 stars; one submission).

Conditions:
PCNT-related disorder. Also called: PCNT-related condition.

Submission:

PreventionGenetics, part of Exact Sciences
Classification: Uncertain significance for PCNT-related condition. Last evaluated: 2025-11-25. Review status: criteria provided, single submitter. Criteria: ACMG Guidelines, 2015. Collection method: clinical testing. Allele origin: germline.
Comment: The PCNT c.281A>T variant is predicted to result in the amino acid substitution p.Asp94Val. To our knowledge, this variant has not been reported in the literature or in a large population database (gnomAD), indicating this variant is rare. At this time, the clinical significance of this variant is uncertain due to the absence of conclusive functional and genetic evidence.